The following is an entry in ClinVar:

NM_015335.5(MED13L):c.6164del (p.Pro2055fs)

Gene: MED13L (mediator complex subunit 13L; minus strand). Cytogenetic location: 12q24.21.
Variant type: Deletion.
Coding change: c.6164del on transcript NM_015335.5 (MANE Select); coding-DNA position 6164, one base deleted (C; older notation c.6164delC).
Protein change: p.Pro2055fs; shifts the reading frame from proline 2055.
Molecular consequence: frameshift variant.
Genome position (GRCh38, 1-based): chr12:115,969,001, G deleted on the plus strand (C on the coding strand, the reverse complement: MED13L is on the minus strand); the first of 4 consecutive G bases (chr12:115,969,001-115,969,004); deleting any one gives the same sequence. VCF-style (leftmost placement, unchanged base first): chr12-115969000-TG-T. GRCh37 (hg19) VCF-style: chr12-116406805-TG-T.
Other names: short protein forms P2055fs.
Identifiers: ClinVar variation 2582909 (VCV002582909.25), dbSNP rs2499964381, ClinGen allele CA2582341800.

ClinVar aggregate classification (germline): Pathogenic (1 of 4 stars; one submission).

Submission:

CeGaT Center for Human Genetics Tuebingen
Classification: Pathogenic. Last evaluated: 2023-09-01. Review status: criteria provided, single submitter. Criteria: CeGaT Center For Human Genetics Tuebingen Variant Classification Criteria Version 2. Collection method: clinical testing. Allele origin: germline. Affected: yes. Observed: 1 variant allele.
Comment: MED13L: PVS1, PM2